The following is an entry in ClinVar:

NM_001253697.2(ERBIN):c.3146G>A (p.Gly1049Asp)

Gene: ERBIN (erbb2 interacting protein; plus strand). Cytogenetic location: 5q12.3.
Variant type: single nucleotide variant.
Coding change: c.3146G>A on transcript NM_001253697.2 (MANE Select); coding-DNA position 3146, G replaced by A.
Protein change: p.Gly1049Asp; replaces glycine 1049 with aspartic acid.
Molecular consequence: missense variant.
Genome position (GRCh38, 1-based): chr5:66,054,464, G>A. VCF-style: chr5-66054464-G-A. GRCh37 (hg19) VCF-style: chr5-65350292-G-A.
Other names: c.3146G>A, p.Gly1049Asp (NM_001006600.3, NM_001253698.2, NM_001253699.2 and 1 more transcripts); c.3134G>A, p.Gly1045Asp (NM_001253701.2); short protein forms G1045D, G1049D.
Identifiers: ClinVar variation 4692611 (VCV004692611.1).

ClinVar aggregate classification (germline): Uncertain significance (1 of 4 stars; one submission).

gnomAD v4.1: 3 of 1,614,080 alleles (0.00019%); highest among the groups gnomAD compares: East Asian, 0.0045%; no homozygotes.

Submission:

Labcorp Genetics (formerly Invitae), Labcorp
Classification: Uncertain significance. Last evaluated: 2025-08-29. Review status: criteria provided, single submitter. Criteria: Invitae Variant Classification Sherloc (09022015). Collection method: clinical testing. Allele origin: germline.
Comment: This sequence change replaces glycine, which is neutral and non-polar, with aspartic acid, which is acidic and polar, at codon 1049 of the ERBIN protein (p.Gly1049Asp). This variant is present in population databases (rs761024543, gnomAD 0.003%). This variant has not been reported in the literature in individuals affected with ERBIN-related conditions. An algorithm developed to predict the effect of missense changes on protein structure and function (PolyPhen-2) suggests that this variant is likely to be disruptive. In summary, the available evidence is currently insufficient to determine the role of this variant in disease. Therefore, it has been classified as a Variant of Uncertain Significance.